The following is an entry in ClinVar:

NM_016169.4(SUFU):c.592C>T (p.Leu198Phe)

Gene: SUFU (SUFU negative regulator of hedgehog signaling; plus strand). Cytogenetic location: 10q24.32.
Variant type: single nucleotide variant.
Coding change: c.592C>T on transcript NM_016169.4 (MANE Select); coding-DNA position 592, C replaced by T.
Protein change: p.Leu198Phe; replaces leucine 198 with phenylalanine.
Molecular consequence: missense variant.
Genome position (GRCh38, 1-based): chr10:102,592,719, C>T. VCF-style: chr10-102592719-C-T. GRCh37 (hg19) VCF-style: chr10-104352476-C-T.
Other names: c.592C>T, p.Leu198Phe (NM_001178133.2); short protein forms L198F.
Identifiers: ClinVar variation 5030367 (VCV005030367.1).
Genomic context (GRCh38, chr10:102,592,719, plus strand): 5'-CTGCTGACAGAGGACCCACAGATGCAGCCCGTGCAGACACCCTTTGGGGTAGTTACCTTC[C>T]TCCAGGTGAGGCACAGGTTGGACGCTGGCTCAAGCCTTCCTGTGGGAAGGGTCCTGGGAG-3'
Protein context (NP_057253.2, residues 188-208): VQTPFGVVTF[Leu198Phe]QIVGVCTEEL

ClinVar aggregate classification (germline): Uncertain significance (1 of 4 stars; one submission).

Conditions:
Hereditary cancer-predisposing syndrome. Also called: Neoplastic Syndromes, Hereditary; Tumor predisposition; Hereditary neoplastic syndrome; Hereditary Cancer Syndrome. Identifiers: Orphanet 140162, MedGen C0027672, MeSH D009386, MONDO:0015356.

gnomAD v4.1: 2 of 1,614,062 alleles (0.00012%); highest among the groups gnomAD compares: Non-Finnish European, 0.000085%; no homozygotes.

Submission:

Ambry Genetics
Classification: Uncertain significance for Hereditary cancer-predisposing syndrome. Last evaluated: 2026-07-06. Review status: criteria provided, single submitter. Criteria: Ambry Variant Classification Scheme 2023. Collection method: clinical testing. Allele origin: germline.
Comment: The p.L198F variant (also known as c.592C>T), located in coding exon 4 of the SUFU gene, results from a C to T substitution at nucleotide position 592. The leucine at codon 198 is replaced by phenylalanine, an amino acid with highly similar properties. This amino acid position is conserved. In addition, this alteration is predicted to be deleterious by in silico analysis. Based on the available evidence, the clinical significance of this variant remains unclear.